The following is an entry in ClinVar:

NM_020928.2(ZSWIM6):c.1333+6C>A

Gene: ZSWIM6 (zinc finger SWIM-type containing 6; plus strand). Cytogenetic location: 5q12.1.
Variant type: single nucleotide variant.
Coding change: c.1333+6C>A on transcript NM_020928.2 (MANE Select); 6 bases into the intron after coding-DNA position 1333, C replaced by A.
Molecular consequence: intron variant.
Genome position (GRCh38, 1-based): chr5:61,494,416, C>A. VCF-style: chr5-61494416-C-A. GRCh37 (hg19) VCF-style: chr5-60790243-C-A.
Identifiers: ClinVar variation 1509320 (VCV001509320.6), dbSNP rs1440978285, ClinGen allele CA559977786.
Genomic context (GRCh38, chr5:61,494,416, plus strand): 5'-CGGCAACAAGGCACTGCAATGACTGACAAATACAGGCAGCTCTGGGATGAGCTGGGTAAG[C>A]ATGTTTCCTCACAAATTACCATTGATTTGCATATGGATAAATACCATAGTCAGATGTTTC-3'

ClinVar aggregate classification (germline): Uncertain significance (1 of 4 stars; one submission).

Allele frequency attached by ClinVar (database versions not stated): gnomAD exomes below 0.00001; gnomAD 0.00001; TOPMed 0.00001.
gnomAD v4.1: 2 of 1,550,470 alleles (0.00013%); highest among the groups gnomAD compares: African/African-American, 0.0027%; no homozygotes.

Submission:

Labcorp Genetics (formerly Invitae), Labcorp
Classification: Uncertain significance. Last evaluated: 2022-09-06. Review status: criteria provided, single submitter. Criteria: Invitae Variant Classification Sherloc (09022015). Collection method: clinical testing. Allele origin: germline.
Comment: This variant is present in population databases (no rsID available, gnomAD 0.01%). In summary, the available evidence is currently insufficient to determine the role of this variant in disease. Therefore, it has been classified as a Variant of Uncertain Significance. Variants that disrupt the consensus splice site are a relatively common cause of aberrant splicing (PMID: 17576681, 9536098). Algorithms developed to predict the effect of sequence changes on RNA splicing suggest that this variant is not likely to affect RNA splicing. ClinVar contains an entry for this variant (Variation ID: 1509320). This variant has not been reported in the literature in individuals affected with ZSWIM6-related conditions. This sequence change falls in intron 4 of the ZSWIM6 gene. It does not directly change the encoded amino acid sequence of the ZSWIM6 protein. It affects a nucleotide within the consensus splice site.

Literature cited by the submitters: PubMed 17576681; PubMed 9536098.